The following is an entry in ClinVar:

ClinVar aggregate classification (germline): Uncertain significance (1 of 4 stars; one submission).

gnomAD v4.1: 42 of 1,612,064 alleles (0.0026%); highest among the groups gnomAD compares: Non-Finnish European, 0.0032%; no homozygotes.

Submission:

Labcorp Genetics (formerly Invitae), Labcorp
Classification: Uncertain significance. Last evaluated: 2025-07-21. Review status: criteria provided, single submitter. Criteria: Invitae Variant Classification Sherloc (09022015). Collection method: clinical testing. Allele origin: germline.
Comment: This sequence change replaces serine, which is neutral and polar, with isoleucine, which is neutral and non-polar, at codon 1067 of the ADNP protein (p.Ser1067Ile). This variant is present in population databases (no rsID available, gnomAD 0.002%). This variant has not been reported in the literature in individuals affected with ADNP-related conditions. An algorithm developed to predict the effect of missense changes on protein structure and function (PolyPhen-2) suggests that this variant is likely to be tolerated. In summary, the available evidence is currently insufficient to determine the role of this variant in disease. Therefore, it has been classified as a Variant of Uncertain Significance.

NM_001282531.3(ADNP):c.3200G>T (p.Ser1067Ile)

Gene: ADNP (activity dependent neuroprotector homeobox; minus strand). Cytogenetic location: 20q13.13.
Variant type: single nucleotide variant.
Coding change: c.3200G>T on transcript NM_001282531.3 (MANE Select); coding-DNA position 3200, G replaced by T.
Protein change: p.Ser1067Ile; replaces serine 1067 with isoleucine.
Molecular consequence: missense variant.
Genome position (GRCh38, 1-based): chr20:50,891,514, C>A on the plus strand (G>T on the coding strand, the complement: ADNP is on the minus strand). VCF-style: chr20-50891514-C-A. GRCh37 (hg19) VCF-style: chr20-49508051-C-A.
Other names: c.3200G>T, p.Ser1067Ile (NM_001282532.2, NM_001347511.2, NM_015339.5 and 1 more transcripts); c.3416G>T, p.Ser1139Ile (NM_001439000.1); c.2516G>T, p.Ser839Ile (NM_001439001.1); short protein forms S1067I, S1139I, S839I.
Identifiers: ClinVar variation 4799723 (VCV004799723.1).